The following is an entry in ClinVar:

NM_000843.4(GRM6):c.1566C>G (p.Cys522Trp)

Genes: GRM6 (glutamate metabotropic receptor 6; minus strand), ZNF454 (zinc finger protein 454; plus strand). Cytogenetic location: 5q35.3.
Variant type: single nucleotide variant.
Coding change: c.1566C>G on transcript NM_000843.4 (MANE Select); coding-DNA position 1566, C replaced by G.
Protein change: p.Cys522Trp; replaces cysteine 522 with tryptophan.
Molecular consequence: missense variant.
Genome position (GRCh38, 1-based): chr5:178,986,688, G>C on the plus strand (C>G on the coding strand, the complement: GRM6 is on the minus strand). VCF-style: chr5-178986688-G-C. GRCh37 (hg19) VCF-style: chr5-178413689-G-C.
Other names: short protein forms C522W.
Identifiers: ClinVar variation 1714654 (VCV001714654.3), dbSNP rs62638209, ClinGen allele CA362427996.

ClinVar aggregate classification (germline): Uncertain significance (1 of 4 stars; one submission).

Submission:

Labcorp Genetics (formerly Invitae), Labcorp
Classification: Uncertain significance. Last evaluated: 2022-07-31. Review status: criteria provided, single submitter. Criteria: Invitae Variant Classification Sherloc (09022015). Collection method: clinical testing. Allele origin: germline.
Comment: This sequence change replaces cysteine, which is neutral and slightly polar, with tryptophan, which is neutral and slightly polar, at codon 522 of the GRM6 protein (p.Cys522Trp). This variant is not present in population databases (gnomAD no frequency). This variant has not been reported in the literature in individuals affected with GRM6-related conditions. Advanced modeling of protein sequence and biophysical properties (such as structural, functional, and spatial information, amino acid conservation, physicochemical variation, residue mobility, and thermodynamic stability) performed at Invitae indicates that this missense variant is expected to disrupt GRM6 protein function. In summary, the available evidence is currently insufficient to determine the role of this variant in disease. Therefore, it has been classified as a Variant of Uncertain Significance.